The following is an entry in ClinVar:

ClinVar aggregate classification (germline): Pathogenic (1 of 4 stars; one submission).

Conditions:
Biotin-responsive basal ganglia disease (BTBGD). Also called: Thiamine Transporter-2 Deficiency; THIAMINE METABOLISM DYSFUNCTION SYNDROME 2 (BIOTIN- AND THIAMINE-RESPONSIVE TYPE); Thiamine metabolism dysfunction syndrome type 2; Thiamine metabolism dysfunction syndrome 2 (biotin- or thiamine-responsive encephalopathy type 2); thiamine-responsive encephalopathy. Identifiers: Orphanet 199348, Orphanet 65284, MedGen C1843807, MONDO:0011841, OMIM 607483.

Submission:

Labcorp Genetics (formerly Invitae), Labcorp
Classification: Pathogenic for Biotin-responsive basal ganglia disease. Last evaluated: 2023-11-20. Review status: criteria provided, single submitter. Criteria: Invitae Variant Classification Sherloc (09022015). Collection method: clinical testing. Allele origin: germline.
Comment: This sequence change creates a premature translational stop signal (p.Asn297Phefs*21) in the SLC19A3 gene. It is expected to result in an absent or disrupted protein product. Loss-of-function variants in SLC19A3 are known to be pathogenic (PMID: 23423671, 23482991). This variant is not present in population databases (gnomAD no frequency). This variant has not been reported in the literature in individuals affected with SLC19A3-related conditions. For these reasons, this variant has been classified as Pathogenic.

Literature cited by the submitters: PubMed 23423671; PubMed 23482991.

NM_025243.4(SLC19A3):c.885_888dup (p.Asn297fs)

Gene: SLC19A3 (solute carrier family 19 member 3; minus strand). Cytogenetic location: 2q36.3.
Variant type: Duplication.
Coding change: c.885_888dup on transcript NM_025243.4 (MANE Select); coding-DNA positions 885 to 888, 4 bases duplicated (TTTG; older notation c.885_888dupTTTG).
Protein change: p.Asn297fs; shifts the reading frame from asparagine 297.
Molecular consequence: frameshift variant.
Genome position (GRCh38, 1-based): chr2:227,698,827-227,698,830, CAAA duplicated on the plus strand (TTTG on the coding strand, the reverse complement: SLC19A3 is on the minus strand). VCF-style (leftmost placement, unchanged base first): chr2-227698826-T-TCAAA. GRCh37 (hg19) VCF-style: chr2-228563542-T-TCAAA.
Other names: c.885_888dup, p.Asn297fs (NM_001371411.1, NM_001371412.1); c.873_876dup, p.Asn293fs (NM_001371413.1, NM_001371414.1); short protein forms N293fs, N297fs.
Identifiers: ClinVar variation 2697815 (VCV002697815.3), dbSNP rs2470572709, ClinGen allele CA2697550483.